The following is an entry in ClinVar:

NM_001170629.2(CHD8):c.7426G>T (p.Val2476Leu)

Gene: CHD8 (chromodomain helicase DNA binding protein 8; minus strand). Cytogenetic location: 14q11.2.
Variant type: single nucleotide variant.
Coding change: c.7426G>T on transcript NM_001170629.2 (MANE Select); coding-DNA position 7426, G replaced by T.
Protein change: p.Val2476Leu; replaces valine 2476 with leucine.
Molecular consequence: missense variant.
Genome position (GRCh38, 1-based): chr14:21,385,933, C>A on the plus strand (G>T on the coding strand, the complement: CHD8 is on the minus strand). VCF-style: chr14-21385933-C-A. GRCh37 (hg19) VCF-style: chr14-21854092-C-A.
Other names: c.6589G>T, p.Val2197Leu (NM_020920.4); short protein forms V2476L, V2197L.
Identifiers: ClinVar variation 3009315 (VCV003009315.5), dbSNP rs1887206669, ClinGen allele CA388875193.

ClinVar aggregate classification (germline): Uncertain significance. Review status: criteria provided, multiple submitters, no conflicts (2 of 4 stars). 3 submissions from 3 submitters: Uncertain significance (3). Last evaluated 2024-09-06.

Allele frequency attached by ClinVar (database versions not stated): gnomAD exomes below 0.00001.
gnomAD v4.1: 3 of 1,554,162 alleles (0.00019%); highest among the groups gnomAD compares: Middle Eastern, 0.017%; no homozygotes.

Submissions (3):

Women's Health and Genetics/Laboratory Corporation of America, LabCorp
Classification: Uncertain significance. Last evaluated: 2024-09-06. Review status: criteria provided, single submitter. Criteria: LabCorp Variant Classification Summary - May 2015. Collection method: clinical testing. Allele origin: germline.
Comment: Variant summary: CHD8 c.7426G>T (p.Val2476Leu) results in a conservative amino acid change in the encoded protein sequence. Three of five in-silico tools predict a damaging effect of the variant on protein function. The variant was absent in 161656 control chromosomes. The available data on variant occurrences in the general population are insufficient to allow any conclusion about variant significance. To our knowledge, no occurrence of c.7426G>T in individuals affected with CHD8-Related Disorders and no experimental evidence demonstrating its impact on protein function have been reported. ClinVar contains an entry for this variant (Variation ID: 3009315). Based on the evidence outlined above, the variant was classified as uncertain significance.

Labcorp Genetics (formerly Invitae), Labcorp
Classification: Uncertain significance. Last evaluated: 2023-10-03. Review status: criteria provided, single submitter. Criteria: Invitae Variant Classification Sherloc (09022015). Collection method: clinical testing. Allele origin: germline.
Comment: This sequence change replaces valine, which is neutral and non-polar, with leucine, which is neutral and non-polar, at codon 2476 of the CHD8 protein (p.Val2476Leu). This variant is not present in population databases (gnomAD no frequency). This variant has not been reported in the literature in individuals affected with CHD8-related conditions. An algorithm developed to predict the effect of missense changes on protein structure and function (PolyPhen-2) suggests that this variant is likely to be tolerated. In summary, the available evidence is currently insufficient to determine the role of this variant in disease. Therefore, it has been classified as a Variant of Uncertain Significance.

Blueprint Genetics
Classification: Uncertain significance. Last evaluated: 2022-11-24. Review status: criteria provided, single submitter. Criteria: ACMG Guidelines, 2015. Collection method: clinical testing. Allele origin: germline.